The following is an entry in ClinVar:

ClinVar aggregate classification (germline): Uncertain significance (1 of 4 stars; one submission).

Allele frequency attached by ClinVar (database versions not stated): ExAC 0.00002; gnomAD 0.00003; TOPMed 0.00003.
gnomAD v4.1: 5 of 1,611,950 alleles (0.00031%); highest among the groups gnomAD compares: African/African-American, 0.0067%; no homozygotes.

Submission:

Labcorp Genetics (formerly Invitae), Labcorp
Classification: Uncertain significance. Last evaluated: 2024-10-15. Review status: criteria provided, single submitter. Criteria: Invitae Variant Classification Sherloc (09022015). Collection method: clinical testing. Allele origin: germline.
Comment: This sequence change replaces serine, which is neutral and polar, with cysteine, which is neutral and slightly polar, at codon 69 of the KLF10 protein (p.Ser69Cys). This variant is present in population databases (rs773878194, gnomAD 0.02%). This variant has not been reported in the literature in individuals affected with KLF10-related conditions. ClinVar contains an entry for this variant (Variation ID: 2175672). An algorithm developed to predict the effect of missense changes on protein structure and function (PolyPhen-2) suggests that this variant is likely to be disruptive. In summary, the available evidence is currently insufficient to determine the role of this variant in disease. Therefore, it has been classified as a Variant of Uncertain Significance.

NM_005655.4(KLF10):c.206C>G (p.Ser69Cys)

Gene: KLF10 (KLF transcription factor 10; minus strand). Cytogenetic location: 8q22.3.
Variant type: single nucleotide variant.
Coding change: c.206C>G on transcript NM_005655.4 (MANE Select); coding-DNA position 206, C replaced by G.
Protein change: p.Ser69Cys; replaces serine 69 with cysteine.
Molecular consequence: missense variant. On other transcripts: non-coding transcript variant (2).
Genome position (GRCh38, 1-based): chr8:102,652,228, G>C on the plus strand (C>G on the coding strand, the complement: KLF10 is on the minus strand). VCF-style: chr8-102652228-G-C. GRCh37 (hg19) VCF-style: chr8-103664456-G-C.
Other names: c.173C>G, p.Ser58Cys (NM_001032282.4); short protein forms S58C, S69C.
Identifiers: ClinVar variation 2175672 (VCV002175672.4), dbSNP rs773878194, ClinGen allele CA4833675.